The following is an entry in ClinVar:

ClinVar aggregate classification (germline): Likely benign (1 of 4 stars; one submission).

Conditions:
SOD1-related disorder. Also called: SOD1-related condition.

gnomAD v4.1: 28 of 1,312,824 alleles (0.0021%); highest among the groups gnomAD compares: African/African-American, 0.0087%; no homozygotes.

Submission:

PreventionGenetics, part of Exact Sciences
Classification: Likely benign for SOD1-related condition. Last evaluated: 2026-06-17. Review status: criteria provided, single submitter. Criteria: ACMG Guidelines, 2015. Collection method: clinical testing. Allele origin: germline.
Comment: This variant is classified as likely benign based on ACMG/AMP sequence variant interpretation guidelines (Richards et al. 2015 PMID: 25741868, with internal and published modifications).

NM_000454.5(SOD1):c.169+54C>T

Gene: SOD1 (superoxide dismutase 1; plus strand). Cytogenetic location: 21q22.11.
Variant type: single nucleotide variant.
Coding change: c.169+54C>T on transcript NM_000454.5 (MANE Select); 54 bases into the intron after coding-DNA position 169, C replaced by T.
Molecular consequence: intron variant.
Genome position (GRCh38, 1-based): chr21:31,663,940, C>T. VCF-style: chr21-31663940-C-T. GRCh37 (hg19) VCF-style: chr21-33036253-C-T.
Identifiers: ClinVar variation 4981004 (VCV004981004.1).